The following is an entry in ClinVar:

ClinVar aggregate classification (germline): Uncertain significance. Review status: criteria provided, multiple submitters, no conflicts (2 of 4 stars). 2 submissions from 2 submitters: Uncertain significance (2). Last evaluated 2025-10-21.

Conditions:
Hereditary cancer-predisposing syndrome. Also called: Hereditary neoplastic syndrome; Tumor predisposition; Hereditary Cancer Syndrome; Neoplastic Syndromes, Hereditary. Identifiers: Orphanet 140162, MedGen C0027672, MeSH D009386, MONDO:0015356.
POLD1-related polyposis and colorectal cancer syndrome (CRCS10). Also called: Colorectal cancer, susceptibility to, 10; Colorectal cancer 10; COLORECTAL CANCER, SUSCEPTIBILITY TO, ON CHROMOSOME 19q. Identifiers: Orphanet 220460, MedGen C2675481, MONDO:0012953, OMIM 612591.

Allele frequency attached by ClinVar (database versions not stated): TOPMed 0.00001.
gnomAD v4.1: 1 of 1,613,856 alleles (0.000062%); highest among the groups gnomAD compares: African/African-American, 0.0013%; no homozygotes.

Submissions (2):

Ambry Genetics
Classification: Uncertain significance for Hereditary cancer-predisposing syndrome. Last evaluated: 2025-10-21. Review status: criteria provided, single submitter. Criteria: Ambry Variant Classification Scheme 2023. Collection method: clinical testing. Allele origin: germline.
Comment: The c.1383+1G>C intronic variant results from a G to C substitution one nucleotide after coding exon 10 of the POLD1 gene.This nucleotide position is highly conserved in available vertebrate species. In silico splice site analysis predicts that this alteration will weaken the native splice donor site and will result in the creation or strengthening of a novel splice donor site. Alterations that disrupt the canonical splice site are expected to cause aberrant splicing, resulting in an abnormal protein or a transcript that is subject to nonsense-mediated mRNA decay. However, loss of function of POLD1 has not been clearly established as a mechanism of disease. Based on the available evidence, the clinical significance of this alteration remains unclear.

Labcorp Genetics (formerly Invitae), Labcorp
Classification: Uncertain significance for POLD1-related polyposis and colorectal cancer syndrome. Last evaluated: 2025-04-07. Review status: criteria provided, single submitter. Criteria: Invitae Variant Classification Sherloc (09022015). Collection method: clinical testing. Allele origin: germline.
Comment: This sequence change affects a donor splice site in intron 11 of the POLD1 gene. Missense variants that disrupt the 3'-5' exonuclease (proof-reading) activity of the POLD1 protein are associated with PPAP (polymerase proofreading–associated polyposis) (PMID: 23263490, 23447401). However, loss-of-function variants that result in an absent or severely disrupted POLD1 protein, and missense variants outside the exonuclease domain, are unlikely to be associated with PPAP. This variant is not present in population databases (gnomAD no frequency). This variant has not been reported in the literature in individuals affected with POLD1-related conditions. ClinVar contains an entry for this variant (Variation ID: 662667). Algorithms developed to predict the effect of sequence changes on RNA splicing suggest that this variant may disrupt the consensus splice site. In summary, the available evidence is currently insufficient to determine the role of this variant in disease. Therefore, it has been classified as a Variant of Uncertain Significance.

Literature cited by the submitters: PubMed 23263490 (cited by Labcorp Genetics (formerly Invitae), Labcorp); PubMed 23447401 (cited by Labcorp Genetics (formerly Invitae), Labcorp).

NM_002691.4(POLD1):c.1383+1G>C

Gene: POLD1 (DNA polymerase delta 1, catalytic subunit; plus strand). Cytogenetic location: 19q13.33.
Variant type: single nucleotide variant.
Coding change: c.1383+1G>C on transcript NM_002691.4 (MANE Select); the canonical splice donor site of the intron after coding-DNA position 1383, G replaced by C.
Molecular consequence: splice donor variant.
Genome position (GRCh38, 1-based): chr19:50,406,323, G>C. VCF-style: chr19-50406323-G-C. GRCh37 (hg19) VCF-style: chr19-50909580-G-C.
Other names: c.1383+1G>C (NM_001256849.1, NM_001308632.1).
Identifiers: ClinVar variation 662667 (VCV000662667.12), dbSNP rs935770440, ClinGen allele CA309601758.
Genomic context (GRCh38, chr19:50,406,323, plus strand): 5'-GGCCGGCGGGACACCAAGGTTGTCAGCATGGTGGGCCGCGTGCAGATGGACATGCTGCAG[G>C]TATGGGCGGGAGGTGGGGTGTGTCCCTGTCCTTGGAAGGCCACTGCCCAGGCCCGCAGCC-3'